The following is an entry in ClinVar:

NM_007254.4(PNKP):c.112del (p.Pro37_Leu38insTer)

Gene: PNKP (polynucleotide kinase 3'-phosphatase; minus strand). Cytogenetic location: 19q13.33.
Variant type: Deletion.
Coding change: c.112del on transcript NM_007254.4 (MANE Select); coding-DNA position 112, one base deleted (C; older notation c.112delC).
Protein change: p.Pro37_Leu38insTer.
Molecular consequence: nonsense.
Genome position (GRCh38, 1-based): chr19:49,867,093, G deleted on the plus strand (C on the coding strand, the reverse complement: PNKP is on the minus strand); the first of 4 consecutive G bases (chr19:49,867,093-49,867,096); deleting any one gives the same sequence. VCF-style (leftmost placement, unchanged base first): chr19-49867092-AG-A. GRCh37 (hg19) VCF-style: chr19-50370349-AG-A.
Identifiers: ClinVar variation 2814491 (VCV002814491.3), dbSNP rs916130044, ClinGen allele CA309502250.

ClinVar aggregate classification (germline): Pathogenic (1 of 4 stars; one submission).

Conditions:
Developmental and epileptic encephalopathy, 12 (DEE12). Identifiers: MedGen C3150988, MONDO:0013389, OMIM 613722.

Submission:

Labcorp Genetics (formerly Invitae), Labcorp
Classification: Pathogenic for Developmental and epileptic encephalopathy, 12. Last evaluated: 2022-11-15. Review status: criteria provided, single submitter. Criteria: Invitae Variant Classification Sherloc (09022015). Collection method: clinical testing. Allele origin: germline.
Comment: For these reasons, this variant has been classified as Pathogenic. This variant has not been reported in the literature in individuals affected with PNKP-related conditions. This variant is not present in population databases (gnomAD no frequency). This sequence change creates a premature translational stop signal (p.Leu38*) in the PNKP gene. It is expected to result in an absent or disrupted protein product. Loss-of-function variants in PNKP are known to be pathogenic (PMID: 20118933, 25728773).

Literature cited by the submitters: PubMed 20118933; PubMed 25728773.